The following is an entry in ClinVar:

ClinVar aggregate classification (germline): Benign (0 of 4 stars; one submission).

Conditions:
HDLBP-related disorder. Also called: HDLBP-related condition.

Allele frequency attached by ClinVar (database versions not stated): gnomAD exomes 0.00031; ExAC 0.00081; ESP Exome Variant Server 0.00200; gnomAD 0.00306; TOPMed 0.00339; 1000 Genomes Project 30x 0.00453; 1000 Genomes Project 0.00479.
gnomAD v4.1: 920 of 1,613,674 alleles (0.057%); highest among the groups gnomAD compares: African/African-American, 1.1%; 5 homozygotes.

Submission:

PreventionGenetics, part of Exact Sciences
Classification: Benign for HDLBP-related condition. Last evaluated: 2019-02-19. Review status: no assertion criteria provided. Collection method: clinical testing. Allele origin: germline.
Comment: This variant is classified as benign based on ACMG/AMP sequence variant interpretation guidelines (Richards et al. 2015 PMID: 25741868, with internal and published modifications).

NM_005336.6(HDLBP):c.2904+9C>T

Genes: ANO7 (anoctamin 7; plus strand), HDLBP (high density lipoprotein binding protein; minus strand). Cytogenetic location: 2q37.3.
Variant type: single nucleotide variant.
Coding change: c.2904+9C>T on transcript NM_005336.6 (MANE Select); 9 bases into the intron after coding-DNA position 2904, C replaced by T.
Molecular consequence: intron variant.
Genome position (GRCh38, 1-based): chr2:241,236,606, G>A on the plus strand (C>T on the coding strand, the complement: HDLBP is on the minus strand). VCF-style: chr2-241236606-G-A. GRCh37 (hg19) VCF-style: chr2-242176021-G-A.
Other names: c.2904+9C>T (NM_001320965.3, NM_001320967.3, NM_203346.6 and 1 more transcripts); c.2805+9C>T (NM_001243900.3).
Identifiers: ClinVar variation 3035706 (VCV003035706.2), dbSNP rs183838084, ClinGen allele CA2216209.